The following is an entry in ClinVar:

ClinVar aggregate classification (germline): Uncertain significance (1 of 4 stars; one submission).

Conditions:
Jeune thoracic dystrophy. Also called: Short-rib thoracic dysplasia; Jeune syndrome; Infantile thoracic dystrophy; Thoracic pelvic phalangeal dystrophy; Jeune's syndrome; Chondroectodermal dysplasia-like syndrome. Identifiers: Orphanet 474, MedGen C0265275, MONDO:0018770.

Submission:

Labcorp Genetics (formerly Invitae), Labcorp
Classification: Uncertain significance for Jeune thoracic dystrophy. Last evaluated: 2021-08-13. Review status: criteria provided, single submitter. Criteria: Invitae Variant Classification Sherloc (09022015). Collection method: clinical testing. Allele origin: germline.
Comment: This sequence change replaces glutamic acid with alanine at codon 3335 of the DYNC2H1 protein (p.Glu3335Ala). The glutamic acid residue is highly conserved and there is a moderate physicochemical difference between glutamic acid and alanine. This variant is not present in population databases (ExAC no frequency). This missense change has been observed in individual(s) with clinical features of DYNC2H1-related conditions (Invitae). Advanced modeling of protein sequence and biophysical properties (such as structural, functional, and spatial information, amino acid conservation, physicochemical variation, residue mobility, and thermodynamic stability) performed at Invitae indicates that this missense variant is not expected to disrupt DYNC2H1 protein function. In summary, the available evidence is currently insufficient to determine the role of this variant in disease. Therefore, it has been classified as a Variant of Uncertain Significance.

NM_001377.3(DYNC2H1):c.9983A>C (p.Glu3328Ala)

Gene: DYNC2H1 (dynein cytoplasmic 2 heavy chain 1; plus strand). Cytogenetic location: 11q22.3.
Variant type: single nucleotide variant.
Coding change: c.9983A>C on transcript NM_001377.3 (MANE Select); coding-DNA position 9983, A replaced by C.
Protein change: p.Glu3328Ala; replaces glutamic acid 3328 with alanine.
Molecular consequence: missense variant.
Genome position (GRCh38, 1-based): chr11:103,245,315, A>C. VCF-style: chr11-103245315-A-C. GRCh37 (hg19) VCF-style: chr11-103116044-A-C.
Other names: c.10004A>C, p.Glu3335Ala (NM_001080463.2); short protein forms E3328A, E3335A.
Identifiers: ClinVar variation 1015377 (VCV001015377.6), dbSNP rs1864571633, ClinGen allele CA382245828.